The following is an entry in ClinVar:

ClinVar aggregate classification (germline): Uncertain significance. Review status: criteria provided, multiple submitters, no conflicts (2 of 4 stars). 2 submissions from 2 submitters: Uncertain significance (2). Last evaluated 2025-02-05.

Conditions:
Inborn genetic diseases. Identifiers: MedGen C0950123, MeSH D030342.

Allele frequency attached by ClinVar (database versions not stated): ExAC 0.00002; TOPMed 0.00002; gnomAD 0.00001; gnomAD exomes 0.00001; 1000 Genomes Project 30x 0.00016; 1000 Genomes Project 0.00020.
gnomAD v4.1: 15 of 1,614,042 alleles (0.00093%); highest among the groups gnomAD compares: South Asian, 0.011%; no homozygotes.

Submissions (2):

Ambry Genetics
Classification: Uncertain significance for Inborn genetic diseases. Last evaluated: 2025-02-05. Review status: criteria provided, single submitter. Criteria: Ambry Variant Classification Scheme 2023. Collection method: clinical testing. Allele origin: germline.

Labcorp Genetics (formerly Invitae), Labcorp
Classification: Uncertain significance. Last evaluated: 2021-09-24. Review status: criteria provided, single submitter. Criteria: Invitae Variant Classification Sherloc (09022015). Collection method: clinical testing. Allele origin: germline.
Comment: This sequence change replaces isoleucine with threonine at codon 851 of the CEP152 protein (p.Ile851Thr). The isoleucine residue is highly conserved and there is a moderate physicochemical difference between isoleucine and threonine. This variant is present in population databases (rs573841953, ExAC 0.01%). This variant has not been reported in the literature in individuals with CEP152-related conditions. Algorithms developed to predict the effect of missense changes on protein structure and function (SIFT, PolyPhen-2, Align-GVGD) all suggest that this variant is likely to be disruptive, but these predictions have not been confirmed by published functional studies and their clinical significance is uncertain. In summary, the available evidence is currently insufficient to determine the role of this variant in disease. Therefore, it has been classified as a Variant of Uncertain Significance.

NM_001194998.2(CEP152):c.2552T>C (p.Ile851Thr)

Gene: CEP152 (centrosomal protein 152; minus strand). Cytogenetic location: 15q21.1.
Variant type: single nucleotide variant.
Coding change: c.2552T>C on transcript NM_001194998.2 (MANE Select); coding-DNA position 2552, T replaced by C.
Protein change: p.Ile851Thr; replaces isoleucine 851 with threonine.
Molecular consequence: missense variant.
Genome position (GRCh38, 1-based): chr15:48,762,401, A>G on the plus strand (T>C on the coding strand, the complement: CEP152 is on the minus strand). VCF-style: chr15-48762401-A-G. GRCh37 (hg19) VCF-style: chr15-49054598-A-G.
Other names: c.2552T>C, p.Ile851Thr (NM_014985.4); c.2552T>C (NM_014985.3); short protein forms I851T.
Identifiers: ClinVar variation 1475805 (VCV001475805.6), dbSNP rs573841953, ClinGen allele CA7548546.